The following is an entry in ClinVar:

ClinVar aggregate classification (germline): Uncertain significance (1 of 4 stars; one submission).

Conditions:
Chromosome 15q11.2 deletion syndrome. Identifiers: Orphanet 261183, MedGen C3180937, MONDO:0014294, OMIM 615656.

Submission:

Daryl Scott Lab, Baylor College of Medicine
Classification: Uncertain significance for Chromosome 15q11.2 deletion syndrome. Last evaluated: 2023-08-14. Review status: criteria provided, single submitter. Criteria: ACMG/ClinGen CNV Guidelines, 2019. Collection method: curation. Allele origin: unknown. Affected: yes.
Comment: Susceptibility locus: 4M (0.45)

Literature cited by the submitters: PubMed 37673932.

GRCh38/hg38 15q11.2(chr15:22787849-23051049)

Genes: CYFIP1 (cytoplasmic FMR1 interacting protein 1; minus strand), NIPA1 (NIPA magnesium transporter 1; plus strand), NIPA2 (NIPA magnesium transporter 2; plus strand), TUBGCP5 (tubulin gamma complex component 5; minus strand), LOC112272575 (Sharpr-MPRA regulatory region 8478; plus strand) and 7 more. Cytogenetic location: 15q11.2.
Variant type: copy number loss.
Identifiers: ClinVar variation 2499632 (VCV002499632.3).